The following is an entry in ClinVar:

ClinVar aggregate classification (germline): Uncertain significance (1 of 4 stars; one submission).

Conditions:
NRP2-related disorder. Also called: NRP2-related condition.

gnomAD v4.1: 13 of 1,613,312 alleles (0.00081%); highest among the groups gnomAD compares: Non-Finnish European, 0.00093%; no homozygotes.

Submission:

PreventionGenetics, part of Exact Sciences
Classification: Uncertain significance for NRP2-related condition. Last evaluated: 2025-01-29. Review status: criteria provided, single submitter. Criteria: ACMG Guidelines, 2015. Collection method: clinical testing. Allele origin: germline.
Comment: The NRP2 c.2557G>T variant is predicted to result in the amino acid substitution p.Val853Leu. To our knowledge, this variant has not been reported in the literature. This variant is reported in 0.00088% of alleles in individuals of European (Non-Finnish) descent in gnomAD. At this time, the clinical significance of this variant is uncertain due to the absence of conclusive functional and genetic evidence.

NM_003872.3(NRP2):c.2425+9574G>T

Gene: NRP2 (neuropilin 2; plus strand). Cytogenetic location: 2q33.3.
Variant type: single nucleotide variant.
Coding change: c.2425+9574G>T on transcript NM_003872.3 (MANE Select); 9574 bases into the intron after coding-DNA position 2425, G replaced by T.
Molecular consequence: intron variant. On other transcripts: missense variant (2).
Genome position (GRCh38, 1-based): chr2:205,776,377, G>T. VCF-style: chr2-205776377-G-T. GRCh37 (hg19) VCF-style: chr2-206641101-G-T.
Other names: c.2572G>T, p.Val858Leu (NM_018534.4); c.2557G>T, p.Val853Leu (NM_201267.2); c.2440+9559G>T (NM_201266.2); c.2425+9574G>T (NM_201279.2); short protein forms V853L, V858L.
Identifiers: ClinVar variation 4987165 (VCV004987165.1).